The following is an entry in ClinVar:

ClinVar aggregate classification (germline): Uncertain significance. Review status: criteria provided, multiple submitters, no conflicts (2 of 4 stars). 2 submissions from 2 submitters: Uncertain significance (2). Last evaluated 2025-08-13.

Conditions:
Inborn genetic diseases. Identifiers: MedGen C0950123, MeSH D030342.

Submissions (2):

Ambry Genetics
Classification: Uncertain significance for Inborn genetic diseases. Last evaluated: 2025-08-13. Review status: criteria provided, single submitter. Criteria: Ambry Variant Classification Scheme 2023. Collection method: clinical testing. Allele origin: germline.

Labcorp Genetics (formerly Invitae), Labcorp
Classification: Uncertain significance. Last evaluated: 2025-03-31. Review status: criteria provided, single submitter. Criteria: Invitae Variant Classification Sherloc (09022015). Collection method: clinical testing. Allele origin: germline.
Comment: This sequence change replaces histidine, which is basic and polar, with arginine, which is basic and polar, at codon 435 of the SZT2 protein (p.His435Arg). This variant is not present in population databases (gnomAD no frequency). This variant has not been reported in the literature in individuals affected with SZT2-related conditions. ClinVar contains an entry for this variant (Variation ID: 2010161). Invitae Evidence Modeling of protein sequence and biophysical properties (such as structural, functional, and spatial information, amino acid conservation, physicochemical variation, residue mobility, and thermodynamic stability) has been performed for this missense variant. However, the output from this modeling did not meet the statistical confidence thresholds required to predict the impact of this variant on SZT2 protein function. In summary, the available evidence is currently insufficient to determine the role of this variant in disease. Therefore, it has been classified as a Variant of Uncertain Significance.

NM_001365999.1(SZT2):c.1304A>G (p.His435Arg)

Gene: SZT2 (SZT2 subunit of KICSTOR complex; plus strand). Cytogenetic location: 1p34.2.
Variant type: single nucleotide variant.
Coding change: c.1304A>G on transcript NM_001365999.1 (MANE Select); coding-DNA position 1304, A replaced by G.
Protein change: p.His435Arg; replaces histidine 435 with arginine.
Molecular consequence: missense variant.
Genome position (GRCh38, 1-based): chr1:43,420,791, A>G. VCF-style: chr1-43420791-A-G. GRCh37 (hg19) VCF-style: chr1-43886462-A-G.
Other names: c.1304A>G (NM_015284.3); c.1304A>G, p.His435Arg (NM_015284.4); short protein forms H435R.
Identifiers: ClinVar variation 2010161 (VCV002010161.5), dbSNP rs2545802549, ClinGen allele CA340007237.